The following is an entry in ClinVar:

ClinVar aggregate classification (germline): Uncertain significance (1 of 4 stars; one submission).

Conditions:
CACNA1I-related disorder. Also called: CACNA1I-related condition.

gnomAD v4.1: 2 of 1,461,998 alleles (0.00014%); highest among the groups gnomAD compares: Non-Finnish European, 0.00018%; no homozygotes.

Submission:

PreventionGenetics, part of Exact Sciences
Classification: Uncertain significance for CACNA1I-related condition. Last evaluated: 2025-02-27. Review status: criteria provided, single submitter. Criteria: ACMG Guidelines, 2015. Collection method: clinical testing. Allele origin: germline.
Comment: The CACNA1I c.3334C>G variant is predicted to result in the amino acid substitution p.Arg1112Gly. To our knowledge, this variant has not been reported in the literature or in a large population database (gnomAD), indicating this variant is rare. At this time, the clinical significance of this variant is uncertain due to the absence of conclusive functional and genetic evidence.

NM_021096.4(CACNA1I):c.3334C>G (p.Arg1112Gly)

Gene: CACNA1I (calcium voltage-gated channel subunit alpha1 I; plus strand). Cytogenetic location: 22q13.1.
Variant type: single nucleotide variant.
Coding change: c.3334C>G on transcript NM_021096.4 (MANE Select); coding-DNA position 3334, C replaced by G.
Protein change: p.Arg1112Gly; replaces arginine 1112 with glycine.
Molecular consequence: missense variant.
Genome position (GRCh38, 1-based): chr22:39,662,397, C>G. VCF-style: chr22-39662397-C-G. GRCh37 (hg19) VCF-style: chr22-40058402-C-G.
Other names: c.3229C>G, p.Arg1077Gly (NM_001003406.2); short protein forms R1077G, R1112G.
Identifiers: ClinVar variation 4979445 (VCV004979445.1).